The following is an entry in ClinVar:

ClinVar aggregate classification (germline): Uncertain significance. Review status: criteria provided, multiple submitters, no conflicts (2 of 4 stars). 2 submissions from 2 submitters: Uncertain significance (2). Last evaluated 2022-08-22.

Conditions:
TH-deficient dopa-responsive dystonia. Also called: Tyrosine Hydroxylase-Deficient Dopa-Responsive Dystonia; Segawa syndrome, autosomal recessive; DYT-TH. Identifiers: Orphanet 101150, MedGen C2673535, MONDO:0011551, OMIM 605407.

Allele frequency attached by ClinVar (database versions not stated): gnomAD exomes below 0.00001 and 0.00001; gnomAD 0.00001.
gnomAD v4.1: 8 of 1,610,970 alleles (0.0005%); highest among the groups gnomAD compares: Admixed American, 0.0017%; no homozygotes.

Submissions (2):

Labcorp Genetics (formerly Invitae), Labcorp
Classification: Uncertain significance for TH-deficient dopa-responsive dystonia. Last evaluated: 2022-08-22. Review status: criteria provided, single submitter. Criteria: Invitae Variant Classification Sherloc (09022015). Collection method: clinical testing. Allele origin: germline.
Comment: This sequence change replaces alanine, which is neutral and non-polar, with valine, which is neutral and non-polar, at codon 83 of the TH protein (p.Ala83Val). The frequency data for this variant in the population databases is considered unreliable, as metrics indicate poor data quality at this position in the gnomAD database. This variant has not been reported in the literature in individuals affected with TH-related conditions. ClinVar contains an entry for this variant (Variation ID: 1303819). Advanced modeling of protein sequence and biophysical properties (such as structural, functional, and spatial information, amino acid conservation, physicochemical variation, residue mobility, and thermodynamic stability) performed at Invitae indicates that this missense variant is not expected to disrupt TH protein function. In summary, the available evidence is currently insufficient to determine the role of this variant in disease. Therefore, it has been classified as a Variant of Uncertain Significance.

GeneDx
Classification: Uncertain significance. Last evaluated: 2019-07-16. Review status: criteria provided, single submitter. Criteria: GeneDx Variant Classification Process June 2021. Collection method: clinical testing. Allele origin: germline. Affected: yes.
Comment: Not observed at a significant frequency in large population cohorts (Lek et al., 2016); In silico analysis, which includes protein predictors and evolutionary conservation, supports that this variant does not alter protein structure/function; Has not been previously published as pathogenic or benign to our knowledge

NM_000360.4(TH):c.155C>T (p.Ala52Val)

Gene: TH (tyrosine hydroxylase; minus strand). Cytogenetic location: 11p15.5.
Variant type: single nucleotide variant.
Coding change: c.155C>T on transcript NM_000360.4 (MANE Select); coding-DNA position 155, C replaced by T.
Protein change: p.Ala52Val; replaces alanine 52 with valine.
Molecular consequence: missense variant.
Genome position (GRCh38, 1-based): chr11:2,169,807, G>A on the plus strand (C>T on the coding strand, the complement: TH is on the minus strand). VCF-style: chr11-2169807-G-A. GRCh37 (hg19) VCF-style: chr11-2191037-G-A.
Other names: c.248C>T, p.Ala83Val (NM_199292.3); c.236C>T, p.Ala79Val (NM_199293.3); short protein forms A52V, A79V, A83V.
Identifiers: ClinVar variation 1303819 (VCV001303819.6), dbSNP rs1338337952, ClinGen allele CA379112419.